The following is an entry in ClinVar:

GRCh38/hg38 19q13.32(chr19:45595873-46600026)x1

Genes: CCDC61 (coiled-coil domain containing 61; plus strand), CCDC8 (coiled-coil domain containing 8 subunit of 3M complex; minus strand), DM1-AS (DM1 locus antisense RNA; plus strand), DMPK (DM1 protein kinase; minus strand), DMWD (DM1 locus, WD repeat containing; minus strand) and 113 more. Cytogenetic location: 19q13.32.
Variant type: copy number loss.
Change: copy number 1 (one copy instead of two) of chr19:45,595,873-46,600,026 (1.00 Mb, GRCh38 coordinates, 1-based), cytogenetic band 19q13.32.
Identifiers: ClinVar variation 57097 (VCV000057097.1).

ClinVar aggregate classification (germline): Pathogenic (1 of 4 stars; one submission).

Submission:

ISCA site 4
Classification: Pathogenic. Last evaluated: 2011-08-12. Review status: criteria provided, single submitter. Criteria: Kaminsky et al. (Genet Med. 2011). Collection method: clinical testing. Allele origin: unknown. Affected: yes. Observed: 1 variant allele.
Comment: Copy number variation identified through the course of routine clinical cytogenomic testing in postnatal populations. Clinical assertions have been curated as described in Kaminsky et al. 2011.